The following is an entry in ClinVar:

NM_007294.4(BRCA1):c.2440C>T (p.Leu814=)

Gene: BRCA1 (BRCA1 DNA repair associated; minus strand). Cytogenetic location: 17q21.31.
Variant type: single nucleotide variant.
Coding change: c.2440C>T on transcript NM_007294.4 (MANE Select); coding-DNA position 2440, C replaced by T.
Protein change: p.Leu814=; no amino-acid change (leucine 814 retained).
Molecular consequence: synonymous variant. On other transcripts: intron variant (137).
Genome position (GRCh38, 1-based): chr17:43,093,091, G>A on the plus strand (C>T on the coding strand, the complement: BRCA1 is on the minus strand). VCF-style: chr17-43093091-G-A. GRCh37 (hg19) VCF-style: chr17-41245108-G-A.
Other names: c.2227C>T, p.Leu743= (NM_001407571.1, NM_001407853.1, NM_001407894.1 and 9 more transcripts); c.2440C>T, p.Leu814= (NM_001407581.1, NM_001407582.1, NM_001407583.1 and 30 more transcripts); c.2437C>T, p.Leu813= (NM_001407587.1, NM_001407590.1, NM_001407591.1 and 22 more transcripts); c.2431C>T, p.Leu811= (NM_001407646.1, NM_001407647.1); c.2317C>T, p.Leu773= (NM_001407648.1, NM_001407664.1, NM_001407665.1 and 19 more transcripts); c.2314C>T, p.Leu772= (NM_001407649.1, NM_001407670.1, NM_001407671.1 and 11 more transcripts); c.2362C>T, p.Leu788= (NM_001407653.1, NM_001407654.1, NM_001407655.1 and 4 more transcripts); c.2359C>T, p.Leu787= (NM_001407659.1, NM_001407660.1, NM_001407661.1 and 1 more transcripts); and 41 more.
Identifiers: ClinVar variation 185284 (VCV000185284.15), dbSNP rs786202054, ClinGen allele CA001631.

ClinVar aggregate classification (germline): Likely benign. Review status: reviewed by expert panel (3 of 4 stars). 4 submissions from 4 submitters: Likely benign (1). 3 of the submissions do not count toward it. Last evaluated 2017-06-29.

Conditions:
Hereditary breast ovarian cancer syndrome. Also called: Hereditary breast and ovarian cancer syndrome; Hereditary breast and ovarian cancer syndrome (HBOC); BRCA1- and BRCA2-Associated Hereditary Breast and Ovarian Cancer; Breast and ovarian cancer; Hereditary breast and ovarian cancer; Hereditary breast and/or ovarian cancer syndrome. Identifiers: Orphanet 145, MedGen C0677776, MeSH D061325, MONDO:0003582. Disease mechanism: loss of function.
Breast-ovarian cancer, familial, susceptibility to, 1 (BROVCA1). Also called: OVARIAN CANCER, SUSCEPTIBILITY TO; BRCA1 Hereditary Breast and Ovarian Cancer. Identifiers: Orphanet 145, MedGen C2676676, MONDO:0011450, OMIM 604370. Disease mechanism: loss of function.
Hereditary cancer-predisposing syndrome. Also called: Hereditary Cancer Syndrome; Hereditary neoplastic syndrome; Tumor predisposition; Neoplastic Syndromes, Hereditary. Identifiers: Orphanet 140162, MedGen C0027672, MeSH D009386, MONDO:0015356.

Allele frequency attached by ClinVar (database versions not stated): gnomAD exomes below 0.00001.
gnomAD v4.1: 5 of 1,613,556 alleles (0.00031%); highest among the groups gnomAD compares: Non-Finnish European, 0.00042%; no homozygotes.

Submissions (4):

Evidence-based Network for the Interpretation of Germline Mutant Alleles (ENIGMA)
Classification: Likely benign for Breast-ovarian cancer, familial, susceptibility to, 1. Last evaluated: 2017-06-29. Review status: reviewed by expert panel. Criteria: ENIGMA BRCA1/2 Classification Criteria (2017-06-29). Collection method: curation. Allele origin: germline.
Comment: Synonymous substitution variant, with low bioinformatic likelihood to result in a splicing aberration (Splicing prior probability 0.02).

Labcorp Genetics (formerly Invitae), Labcorp
Classification: Likely benign for Hereditary breast ovarian cancer syndrome. Last evaluated: 2025-07-20. Review status: criteria provided, single submitter. Criteria: Invitae Variant Classification Sherloc (09022015). Collection method: clinical testing. Allele origin: germline. Not counted in ClinVar's aggregate classification.

Color Diagnostics, LLC DBA Color Health
Classification: Likely benign for Hereditary cancer-predisposing syndrome. Last evaluated: 2020-01-15. Review status: criteria provided, single submitter. Criteria: ACMG Guidelines, 2015. Collection method: clinical testing. Allele origin: germline. Not counted in ClinVar's aggregate classification.

Ambry Genetics
Classification: Likely benign for Hereditary cancer-predisposing syndrome. Last evaluated: 2014-08-07. Review status: criteria provided, single submitter. Criteria: Ambry Variant Classification Scheme 2023. Collection method: clinical testing. Allele origin: germline. Not counted in ClinVar's aggregate classification.